The following is an entry in ClinVar:

NM_005004.4(NDUFB8):c.358del (p.Ser120fs)

Gene: NDUFB8 (NADH:ubiquinone oxidoreductase subunit B8; minus strand). Cytogenetic location: 10q24.31.
Variant type: Deletion.
Coding change: c.358del on transcript NM_005004.4 (MANE Select); coding-DNA position 358, one base deleted (T; older notation c.358delT).
Protein change: p.Ser120fs; shifts the reading frame from serine 120.
Molecular consequence: frameshift variant.
Genome position (GRCh38, 1-based): chr10:100,526,509, A deleted on the plus strand (T on the coding strand, the reverse complement: NDUFB8 is on the minus strand). VCF-style (leftmost placement, unchanged base first): chr10-100526508-GA-G. GRCh37 (hg19) VCF-style: chr10-102286265-GA-G.
Other names: c.358del, p.Ser120fs (NM_001284367.2); c.265del, p.Ser89fs (NM_001284368.1); short protein forms S120fs, S89fs.
Identifiers: ClinVar variation 1677231 (VCV001677231.1), dbSNP rs2133710956, ClinGen allele CA2573145446.

ClinVar aggregate classification (germline): Likely pathogenic (1 of 4 stars; one submission).

Conditions:
Mitochondrial complex I deficiency, nuclear type 32. Also called: Mitochondrial complex 1 deficiency, nuclear type 32. Identifiers: MedGen C4748839, MONDO:0032635, OMIM 618252.

Allele frequency attached by ClinVar (database versions not stated): gnomAD exomes below 0.00001.

Submission:

Women's Health and Genetics/Laboratory Corporation of America, LabCorp
Classification: Likely pathogenic for Mitochondrial complex I deficiency, nuclear type 32. Last evaluated: 2022-03-31. Review status: criteria provided, single submitter. Criteria: LabCorp Variant Classification Summary - May 2015. Collection method: clinical testing. Allele origin: germline.
Comment: Variant summary: NDUFB8 c.358delT (p.Ser120ProfsX21) results in a premature termination codon, predicted to cause a truncation of the encoded protein or absence of the protein due to nonsense mediated decay. One other truncating variant has been reported in HGMD in association wiht Complex I deficiency. The variant was absent in 247212 control chromosomes. To our knowledge, no occurrence of c.358delT in individuals affected with Mitochondrial Complex 1 Deficiency, Nuclear Type 32 and no experimental evidence demonstrating its impact on protein function have been reported. No clinical diagnostic laboratories have submitted clinical-significance assessments for this variant to ClinVar after 2014. Based on the evidence outlined above, the variant was classified as likely pathogenic.